The following is an entry in ClinVar:

ClinVar aggregate classification (germline): Uncertain significance (1 of 4 stars; one submission).

Allele frequency attached by ClinVar (database versions not stated): TOPMed 0.00001.
gnomAD v4.1: 1 of 1,611,646 alleles (0.000062%); no homozygotes.

Submission:

Labcorp Genetics (formerly Invitae), Labcorp
Classification: Uncertain significance. Last evaluated: 2025-05-02. Review status: criteria provided, single submitter. Criteria: Invitae Variant Classification Sherloc (09022015). Collection method: clinical testing. Allele origin: germline.
Comment: This sequence change replaces aspartic acid, which is acidic and polar, with valine, which is neutral and non-polar, at codon 422 of the CACNA2D4 protein (p.Asp422Val). This variant is not present in population databases (gnomAD no frequency). This variant has not been reported in the literature in individuals affected with CACNA2D4-related conditions. ClinVar contains an entry for this variant (Variation ID: 1011597). An algorithm developed to predict the effect of missense changes on protein structure and function (PolyPhen-2) suggests that this variant is likely to be disruptive. In summary, the available evidence is currently insufficient to determine the role of this variant in disease. Therefore, it has been classified as a Variant of Uncertain Significance.

NM_172364.5(CACNA2D4):c.1265A>T (p.Asp422Val)

Gene: CACNA2D4 (calcium voltage-gated channel auxiliary subunit alpha2delta 4; minus strand). Cytogenetic location: 12p13.33.
Variant type: single nucleotide variant.
Coding change: c.1265A>T on transcript NM_172364.5 (MANE Select); coding-DNA position 1265, A replaced by T.
Protein change: p.Asp422Val; replaces aspartic acid 422 with valine.
Molecular consequence: missense variant.
Genome position (GRCh38, 1-based): chr12:1,884,775, T>A on the plus strand (A>T on the coding strand, the complement: CACNA2D4 is on the minus strand). VCF-style: chr12-1884775-T-A. GRCh37 (hg19) VCF-style: chr12-1993941-T-A.
Other names: short protein forms D422V.
Identifiers: ClinVar variation 1011597 (VCV001011597.6), dbSNP rs1592733332, ClinGen allele CA383358032.